The following is an entry in ClinVar:

ClinVar aggregate classification (germline): Likely benign. Review status: criteria provided, multiple submitters, no conflicts (2 of 4 stars). 3 submissions from 3 submitters: Likely benign (2). 1 of the submissions does not count toward it. Last evaluated 2025-07-01.

Conditions:
Intellectual disability. Also called: Intellectual functioning disability; Intellectual developmental disorder; intellectual disabilities. Identifiers: MedGen C3714756, MeSH D008607, MONDO:0001071, HP:0001249.

Allele frequency attached by ClinVar (database versions not stated): gnomAD 0.00130 and 0.00143; 1000 Genomes Project 30x 0.00156; 1000 Genomes Project 0.00160; TOPMed 0.00165; ESP Exome Variant Server 0.00192; gnomAD exomes 0.00033; ExAC 0.00040.
gnomAD v4.1: 498 of 1,611,988 alleles (0.031%); highest among the groups gnomAD compares: African/African-American, 0.49%; 2 homozygotes.

Submissions (3):

CeGaT Center for Human Genetics Tuebingen
Classification: Likely benign. Last evaluated: 2025-07-01. Review status: criteria provided, single submitter. Criteria: CeGaT Center For Human Genetics Tuebingen Variant Classification Criteria Version 2. Collection method: clinical testing. Allele origin: germline. Affected: yes. Observed: 4 variant alleles.
Comment: GPT2: BP4

Labcorp Genetics (formerly Invitae), Labcorp
Classification: Likely benign. Last evaluated: 2019-12-31. Review status: criteria provided, single submitter. Criteria: Invitae Variant Classification Sherloc (09022015). Collection method: clinical testing. Allele origin: germline.

Centre de Biologie Pathologie Génétique, Centre Hospitalier Universitaire de Lille
Classification: Likely benign for Intellectual disability. Last evaluated: 2019-01-01. Review status: no assertion criteria provided. Collection method: clinical testing. Allele origin: inherited. Affected: yes. Not counted in ClinVar's aggregate classification.

NM_133443.4(GPT2):c.334-3C>T

Gene: GPT2 (glutamic--pyruvic transaminase 2; plus strand). Cytogenetic location: 16q11.2.
Variant type: single nucleotide variant.
Coding change: c.334-3C>T on transcript NM_133443.4 (MANE Select); 3 bases into the intron before coding-DNA position 334, C replaced by T.
Molecular consequence: intron variant.
Genome position (GRCh38, 1-based): chr16:46,900,679, C>T. VCF-style: chr16-46900679-C-T. GRCh37 (hg19) VCF-style: chr16-46934591-C-T.
Other names: c.34-3C>T (NM_001142466.3).
Identifiers: ClinVar variation 735183 (VCV000735183.29), dbSNP rs202025868, ClinGen allele CA8038572.
Genomic context (GRCh38, chr16:46,900,679, plus strand): 5'-TGCTCCTCCTGGAGCTCTAGGAGTGGGGGTGCTGGGAGCTCAGCCTGTGTCTTGTTCCCC[C>T]AGGTGATGGCACTATGCACCTACCCAAACCTGCTGGACAGCCCCAGCTTCCCAGAAGATG-3'